The following is an entry in ClinVar:

ClinVar aggregate classification (germline): Conflicting classifications of pathogenicity. Review status: criteria provided, conflicting classifications (1 of 4 stars). 2 submissions from 2 submitters: Uncertain significance (1); Likely benign (1). Last evaluated 2024-04-15.

Conditions:
Hereditary nonpolyposis colorectal neoplasms. Identifiers: MedGen C0009405, MeSH D003123.
Hereditary cancer-predisposing syndrome. Also called: Tumor predisposition; Hereditary Cancer Syndrome; Neoplastic Syndromes, Hereditary; Hereditary neoplastic syndrome. Identifiers: Orphanet 140162, MedGen C0027672, MeSH D009386, MONDO:0015356.

Allele frequency attached by ClinVar (database versions not stated): gnomAD exomes below 0.00001; ExAC 0.00001; gnomAD 0.00001; 1000 Genomes Project 0.00020; 1000 Genomes Project 30x 0.00031.
gnomAD v4.1: 1 of 1,577,858 alleles (0.000063%); highest among the groups gnomAD compares: South Asian, 0.0012%; no homozygotes.

Submissions (2):

Labcorp Genetics (formerly Invitae), Labcorp
Classification: Likely benign for Hereditary nonpolyposis colorectal neoplasms. Last evaluated: 2024-04-15. Review status: criteria provided, single submitter. Criteria: Invitae Variant Classification Sherloc (09022015). Collection method: clinical testing. Allele origin: germline.

Ambry Genetics
Classification: Uncertain significance for Hereditary cancer-predisposing syndrome. Last evaluated: 2019-03-12. Review status: criteria provided, single submitter. Criteria: Ambry Variant Classification Scheme 2023. Collection method: clinical testing. Allele origin: germline.
Comment: The p.E992K variant (also known as c.2947G>A), located in coding exon 4 of the MSH6 gene, results from a G to A substitution at nucleotide position 2947. The glutamic acid at codon 992 is replaced by lysine, an amino acid with similar properties. This amino acid position is well conserved in available vertebrate species. In addition, this alteration is predicted to be deleterious by in silico analysis. In addition, the CoDP in silico tool predicts this alteration to have a minor impact on molecular function, with a score of 0.004 (Terui H et al. J. Biomed. Sci. 2013 Apr;20:25). Since supporting evidence is limited at this time, the clinical significance of this alteration remains unclear.

NM_000179.3(MSH6):c.2947G>A (p.Glu983Lys)

Gene: MSH6 (mutS homolog 6; plus strand). Cytogenetic location: 2p16.3.
Variant type: single nucleotide variant.
Coding change: c.2947G>A on transcript NM_000179.3 (MANE Select); coding-DNA position 2947, G replaced by A.
Protein change: p.Glu983Lys; replaces glutamic acid 983 with lysine.
Molecular consequence: missense variant.
Genome position (GRCh38, 1-based): chr2:47,800,930, G>A. VCF-style: chr2-47800930-G-A. GRCh37 (hg19) VCF-style: chr2-48028069-G-A.
Other names: c.2557G>A, p.Glu853Lys (NM_001281492.2); c.2041G>A, p.Glu681Lys (NM_001281493.2, NM_001281494.2); short protein forms E681K, E853K, E983K.
Identifiers: ClinVar variation 822341 (VCV000822341.12), dbSNP rs538761360, ClinGen allele CA069848.